The following is an entry in ClinVar:

NM_001318852.2(MAPK8IP3):c.3054G>A (p.Ala1018=)

Gene: MAPK8IP3 (mitogen-activated protein kinase 8 interacting protein 3; plus strand). Cytogenetic location: 16p13.3.
Variant type: single nucleotide variant.
Coding change: c.3054G>A on transcript NM_001318852.2 (MANE Select); coding-DNA position 3054, G replaced by A.
Protein change: p.Ala1018=; no amino-acid change (alanine 1018 retained).
Molecular consequence: synonymous variant.
Genome position (GRCh38, 1-based): chr16:1,766,937, G>A. VCF-style: chr16-1766937-G-A. GRCh37 (hg19) VCF-style: chr16-1816938-G-A.
Other names: c.3033G>A, p.Ala1011= (NM_001040439.2); c.3051G>A, p.Ala1017= (NM_015133.5, NM_033392.3).
Identifiers: ClinVar variation 3052461 (VCV003052461.3), dbSNP rs374625110, ClinGen allele CA7817535.

ClinVar aggregate classification (germline): Likely benign. Review status: criteria provided, single submitter (1 of 4 stars). 2 submissions from 2 submitters: Likely benign (1). 1 of the submissions does not count toward it. Last evaluated 2024-11-14.

Conditions:
MAPK8IP3-related disorder. Also called: MAPK8IP3-related condition.

Allele frequency attached by ClinVar (database versions not stated): gnomAD exomes 0.00015; ExAC 0.00058; ESP Exome Variant Server 0.00135; gnomAD 0.00144; 1000 Genomes Project 30x 0.00156; 1000 Genomes Project 0.00160; TOPMed 0.00165.
gnomAD v4.1: 436 of 1,595,752 alleles (0.027%); highest among the groups gnomAD compares: African/African-American, 0.44%; no homozygotes.

Submissions (2):

Blueprint Genetics
Classification: Likely benign. Last evaluated: 2024-11-14. Review status: criteria provided, single submitter. Criteria: ACMG Guidelines, 2015. Collection method: clinical testing. Allele origin: germline.

PreventionGenetics, part of Exact Sciences
Classification: Benign for MAPK8IP3-related condition. Last evaluated: 2019-11-25. Review status: no assertion criteria provided. Collection method: clinical testing. Allele origin: germline. Not counted in ClinVar's aggregate classification.
Comment: This variant is classified as benign based on ACMG/AMP sequence variant interpretation guidelines (Richards et al. 2015 PMID: 25741868, with internal and published modifications).